The following is an entry in ClinVar:

ClinVar aggregate classification (germline): Uncertain significance (1 of 4 stars; one submission).

Allele frequency attached by ClinVar (database versions not stated): gnomAD 0.00003; gnomAD exomes 0.00001.
gnomAD v4.1: 4 of 1,614,110 alleles (0.00025%); highest among the groups gnomAD compares: African/African-American, 0.0053%; no homozygotes.

Submission:

Labcorp Genetics (formerly Invitae), Labcorp
Classification: Uncertain significance. Last evaluated: 2022-10-07. Review status: criteria provided, single submitter. Criteria: Invitae Variant Classification Sherloc (09022015). Collection method: clinical testing. Allele origin: germline.
Comment: This sequence change creates a premature translational stop signal (p.Ser571*) in the MCPH1 gene. However, it is currently unclear if variants that occur in this region of the gene cause disease. This variant is present in population databases (no rsID available, gnomAD 0.01%). This variant has not been reported in the literature in individuals affected with MCPH1-related conditions. ClinVar contains an entry for this variant (Variation ID: 1452122). In summary, the available evidence is currently insufficient to determine the role of this variant in disease. Therefore, it has been classified as a Variant of Uncertain Significance.

NM_024596.5(MCPH1):c.1712C>G (p.Ser571Ter)

Gene: MCPH1 (microcephalin 1; plus strand). Cytogenetic location: 8p23.1.
Variant type: single nucleotide variant.
Coding change: c.1712C>G on transcript NM_024596.5 (MANE Select); coding-DNA position 1712, C replaced by G.
Protein change: p.Ser571Ter; replaces serine 571 with a stop codon.
Molecular consequence: nonsense. On other transcripts: non-coding transcript variant (1).
Genome position (GRCh38, 1-based): chr8:6,445,434, C>G. VCF-style: chr8-6445434-C-G. GRCh37 (hg19) VCF-style: chr8-6302955-C-G.
Other names: c.1712C>G, p.Ser571Ter (NM_001172574.2, NM_001322042.2, NM_001363979.1 and 1 more transcripts); c.1568C>G, p.Ser523Ter (NM_001172575.2); c.1706C>G, p.Ser569Ter (NM_001322043.2); c.1610C>G, p.Ser537Ter (NM_001322045.2); short protein forms S569*, S523*, S537*, S571*.
Identifiers: ClinVar variation 1452122 (VCV001452122.3), dbSNP rs371010315, ClinGen allele CA370222209.